The following is an entry in ClinVar:

ClinVar aggregate classification (germline): Uncertain significance (1 of 4 stars; one submission).

Conditions:
TUB-related disorder. Also called: TUB-related condition.

Submission:

PreventionGenetics, part of Exact Sciences
Classification: Uncertain significance for TUB-related condition. Last evaluated: 2026-03-10. Review status: criteria provided, single submitter. Criteria: ACMG Guidelines, 2015. Collection method: clinical testing. Allele origin: germline.
Comment: The TUB c.1130C>T variant is predicted to result in the amino acid substitution p.Ser377Phe. To our knowledge, this variant has not been reported in the literature or in a large population database (gnomAD), indicating this variant is rare. At this time, the clinical significance of this variant is uncertain due to the absence of conclusive functional and genetic evidence.

NM_177972.3(TUB):c.965C>T (p.Ser322Phe)

Genes: RIC3 (RIC3 acetylcholine receptor chaperone; minus strand), TUB (TUB bipartite transcription factor; plus strand). Cytogenetic location: 11p15.4.
Variant type: single nucleotide variant.
Coding change: c.965C>T on transcript NM_177972.3 (MANE Select); coding-DNA position 965, C replaced by T.
Protein change: p.Ser322Phe; replaces serine 322 with phenylalanine.
Molecular consequence: missense variant.
Genome position (GRCh38, 1-based): chr11:8,097,793, C>T. VCF-style: chr11-8097793-C-T. GRCh37 (hg19) VCF-style: chr11-8119340-C-T.
Other names: c.983C>T, p.Ser328Phe (NM_001440538.1, NM_001440539.1); c.815C>T, p.Ser272Phe (NM_001440540.1, NM_001440542.1); c.797C>T, p.Ser266Phe (NM_001440541.1); c.1130C>T, p.Ser377Phe (NM_003320.5); short protein forms S377F, S266F, S272F, S328F, S322F.
Identifiers: ClinVar variation 4994979 (VCV004994979.1).